The following is an entry in ClinVar:

NM_006736.6(DNAJB2):c.352+1G>C

Gene: DNAJB2 (DnaJ heat shock protein family (Hsp40) member B2; plus strand). Cytogenetic location: 2q35.
Variant type: single nucleotide variant.
Coding change: c.352+1G>C on transcript NM_006736.6 (MANE Select); the canonical splice donor site of the intron after coding-DNA position 352, G replaced by C.
Molecular consequence: splice donor variant.
Genome position (GRCh38, 1-based): chr2:219,282,062, G>C. VCF-style: chr2-219282062-G-C. GRCh37 (hg19) VCF-style: chr2-220146784-G-C.
Other names: c.352+1G>C (NM_001039550.2).
Identifiers: ClinVar variation 3896844 (VCV003896844.1).

ClinVar aggregate classification (germline): Likely pathogenic (1 of 4 stars; one submission).

Conditions:
Neuronopathy, distal hereditary motor, autosomal recessive 5. Also called: NEUROPATHY, DISTAL HEREDITARY MOTOR, AUTOSOMAL RECESSIVE 5; Spinal muscular atrophy, distal, autosomal recessive, 5; Young adult-onset distal hereditary motor neuropathy. Identifiers: Orphanet 314485, Orphanet 443950, MedGen C4749918, MONDO:0013947, OMIM 614881.

Submission:

Kariminejad - Najmabadi Pathology & Genetics Center
Classification: Likely pathogenic for Neuronopathy, distal hereditary motor, autosomal recessive 5. Last evaluated: 2024-04-16. Review status: criteria provided, single submitter. Criteria: ACMG Guidelines, 2015. Collection method: clinical testing. Allele origin: germline. Inheritance: Autosomal recessive inheritance. Affected: yes.
Comment: PVS1(Strong),PM2